The following is an entry in ClinVar:

NM_005068.3(SIM1):c.1526A>G (p.Tyr509Cys)

Genes: SIM1 (SIM bHLH transcription factor 1; minus strand), SIM1-AS1 (SIM1 antisense RNA 1; plus strand). Cytogenetic location: 6q16.3.
Variant type: single nucleotide variant.
Coding change: c.1526A>G on transcript NM_005068.3 (MANE Select); coding-DNA position 1526, A replaced by G.
Protein change: p.Tyr509Cys; replaces tyrosine 509 with cysteine.
Molecular consequence: missense variant. On other transcripts: non-coding transcript variant (1).
Genome position (GRCh38, 1-based): chr6:100,393,531, T>C on the plus strand (A>G on the coding strand, the complement: SIM1 is on the minus strand). VCF-style: chr6-100393531-T-C. GRCh37 (hg19) VCF-style: chr6-100841407-T-C.
Other names: c.1526A>G, p.Tyr509Cys (NM_001374769.1); short protein forms Y509C.
Identifiers: ClinVar variation 2634190 (VCV002634190.5), dbSNP rs768501726, ClinGen allele CA3937001.

ClinVar aggregate classification (germline): Uncertain significance. Review status: criteria provided, multiple submitters, no conflicts (2 of 4 stars). 2 submissions from 2 submitters: Uncertain significance (2). Last evaluated 2026-08-28.

Conditions:
SIM1-related disorder. Also called: SIM1-related condition; SIM1-related disorders.

Allele frequency attached by ClinVar (database versions not stated): ExAC 0.00002; gnomAD exomes 0.00002; TOPMed 0.00002; gnomAD 0.00003.
gnomAD v4.1: 38 of 1,586,382 alleles (0.0024%); highest among the groups gnomAD compares: Non-Finnish European, 0.0033%; 1 homozygote.

Submissions (2):

PreventionGenetics, part of Exact Sciences
Classification: Uncertain significance for SIM1-related condition. Last evaluated: 2026-08-28. Review status: criteria provided, single submitter. Criteria: ACMG Guidelines, 2015. Collection method: clinical testing. Allele origin: germline.
Comment: The SIM1 c.1526A>G variant is predicted to result in the amino acid substitution p.Tyr509Cys. To our knowledge, this variant has not been reported in the literature. This variant is reported in 0.0037% of alleles in individuals of European (Non-Finnish) descent in gnomAD. At this time, the clinical significance of this variant is uncertain due to the absence of conclusive functional and genetic evidence.

Labcorp Genetics (formerly Invitae), Labcorp
Classification: Uncertain significance. Last evaluated: 2024-11-05. Review status: criteria provided, single submitter. Criteria: Invitae Variant Classification Sherloc (09022015). Collection method: clinical testing. Allele origin: germline.
Comment: This sequence change replaces tyrosine, which is neutral and polar, with cysteine, which is neutral and slightly polar, at codon 509 of the SIM1 protein (p.Tyr509Cys). This variant is present in population databases (rs768501726, gnomAD 0.004%). This variant has not been reported in the literature in individuals affected with SIM1-related conditions. ClinVar contains an entry for this variant (Variation ID: 2634190). An algorithm developed to predict the effect of missense changes on protein structure and function (PolyPhen-2) suggests that this variant is likely to be disruptive. In summary, the available evidence is currently insufficient to determine the role of this variant in disease. Therefore, it has been classified as a Variant of Uncertain Significance.